The following is an entry in ClinVar:

NM_000038.6(APC):c.4616C>A (p.Ser1539Ter)

Gene: APC (APC regulator of Wnt signaling pathway; plus strand). Cytogenetic location: 5q22.2.
Variant type: single nucleotide variant.
Coding change: c.4616C>A on transcript NM_000038.6 (MANE Select); coding-DNA position 4616, C replaced by A.
Protein change: p.Ser1539Ter; replaces serine 1539 with a stop codon.
Molecular consequence: nonsense.
Genome position (GRCh38, 1-based): chr5:112,840,210, C>A. VCF-style: chr5-112840210-C-A. GRCh37 (hg19) VCF-style: chr5-112175907-C-A.
Other names: c.4532C>A, p.Ser1511Ter (NM_001354899.2); c.4493C>A, p.Ser1498Ter (NM_001354900.2); c.4439C>A, p.Ser1480Ter (NM_001354901.2); c.4343C>A, p.Ser1448Ter (NM_001354902.2); c.4313C>A, p.Ser1438Ter (NM_001354903.2); c.4238C>A, p.Ser1413Ter (NM_001354904.2); c.4136C>A, p.Ser1379Ter (NM_001354905.2); c.3767C>A, p.Ser1256Ter (NM_001354906.2); and 5 more; short protein forms S1521*, S1539*, S1438*, S1498*, S1514*, S1557*, S1256*, S1379*.
Identifiers: ClinVar variation 492668 (VCV000492668.7), dbSNP rs1554086008, ClinGen allele CA16031444.

ClinVar aggregate classification (germline): Pathogenic. Review status: criteria provided, single submitter (1 of 4 stars). 2 submissions from 2 submitters: Pathogenic (1). 1 of the submissions does not count toward it. Last evaluated 2024-09-24.

Conditions:
Familial adenomatous polyposis 1 (FAP1). Also called: FAMILIAL ADENOMATOUS POLYPOSIS 1, ATTENUATED; POLYPOSIS, ADENOMATOUS INTESTINAL. Identifiers: MedGen C2713442, MONDO:0021056, OMIM 175100. Disease mechanism: loss of function.

Submissions (2):

Labcorp Genetics (formerly Invitae), Labcorp
Classification: Pathogenic for Familial adenomatous polyposis 1. Last evaluated: 2024-09-24. Review status: criteria provided, single submitter. Criteria: Invitae Variant Classification Sherloc (09022015). Collection method: clinical testing. Allele origin: germline.
Comment: This sequence change creates a premature translational stop signal (p.Ser1539*) in the APC gene. While this is not anticipated to result in nonsense mediated decay, it is expected to disrupt the last 1305 amino acid(s) of the APC protein. This variant is not present in population databases (gnomAD no frequency). This premature translational stop signal has been observed in individual(s) with APC-related conditions (PMID: 9101302). This variant is also known as S1540X. ClinVar contains an entry for this variant (Variation ID: 492668). This variant disrupts a region of the APC protein in which other variant(s) (p.Gln1541*) have been determined to be pathogenic (internal data). This suggests that this is a clinically significant region of the protein, and that variants that disrupt it are likely to be disease-causing. For these reasons, this variant has been classified as Pathogenic.

Mayo Clinic Laboratories, Mayo Clinic
Classification: Likely pathogenic. Review status: no assertion criteria provided. Collection method: clinical testing. Allele origin: unknown. Not counted in ClinVar's aggregate classification.

Literature cited by the submitters: PubMed 9101302 (cited by Labcorp Genetics (formerly Invitae), Labcorp).